The following is an entry in ClinVar:

NM_182961.4(SYNE1):c.4811C>T (p.Ser1604Leu)

Gene: SYNE1 (spectrin repeat containing nuclear envelope protein 1; minus strand). Cytogenetic location: 6q25.2.
Variant type: single nucleotide variant.
Coding change: c.4811C>T on transcript NM_182961.4 (MANE Select); coding-DNA position 4811, C replaced by T.
Protein change: p.Ser1604Leu; replaces serine 1604 with leucine.
Molecular consequence: missense variant.
Genome position (GRCh38, 1-based): chr6:152,428,370, G>A on the plus strand (C>T on the coding strand, the complement: SYNE1 is on the minus strand). VCF-style: chr6-152428370-G-A. GRCh37 (hg19) VCF-style: chr6-152749505-G-A.
Other names: c.4832C>T, p.Ser1611Leu (NM_033071.5); short protein forms S1611L, S1604L.
Identifiers: ClinVar variation 4999469 (VCV004999469.1).

ClinVar aggregate classification (germline): Uncertain significance (1 of 4 stars; one submission).

Conditions:
SYNE1-related disorder. Also called: SYNE1-related disease; SYNE1-related condition; SYNE1-related disorders.

Submission:

PreventionGenetics, part of Exact Sciences
Classification: Uncertain significance for SYNE1-related condition. Last evaluated: 2024-11-23. Review status: criteria provided, single submitter. Criteria: ACMG Guidelines, 2015. Collection method: clinical testing. Allele origin: germline.
Comment: The SYNE1 c.4832C>T variant is predicted to result in the amino acid substitution p.Ser1611Leu. To our knowledge, this variant has not been reported in the literature or in a large population database (gnomAD), indicating this variant is rare. At this time, the clinical significance of this variant is uncertain due to the absence of conclusive functional and genetic evidence.